The following is an entry in ClinVar:

NM_001042681.2(RERE):c.1739C>T (p.Ser580Leu)

Gene: RERE (arginine-glutamic acid dipeptide repeats; minus strand). Cytogenetic location: 1p36.23.
Variant type: single nucleotide variant.
Coding change: c.1739C>T on transcript NM_001042681.2 (MANE Select); coding-DNA position 1739, C replaced by T.
Protein change: p.Ser580Leu; replaces serine 580 with leucine.
Molecular consequence: missense variant.
Genome position (GRCh38, 1-based): chr1:8,364,057, G>A on the plus strand (C>T on the coding strand, the complement: RERE is on the minus strand). VCF-style: chr1-8364057-G-A. GRCh37 (hg19) VCF-style: chr1-8424117-G-A.
Other names: c.77C>T, p.Ser26Leu (NM_001042682.2); c.1739C>T, p.Ser580Leu (NM_012102.4); c.1739C>T (NM_012102.3); short protein forms S26L, S580L.
Identifiers: ClinVar variation 2570714 (VCV002570714.29), dbSNP rs529517891, ClinGen allele CA571607.

ClinVar aggregate classification (germline): Conflicting classifications of pathogenicity. Review status: criteria provided, conflicting classifications (1 of 4 stars). 4 submissions from 4 submitters: Uncertain significance (1); Likely benign (2). 1 of the submissions does not count toward it. Last evaluated 2025-12-09.

Conditions:
RERE-related disorder. Also called: RERE-related condition; RERE-Related Disorders. Identifiers: MedGen CN381537.
Inborn genetic diseases. Identifiers: MedGen C0950123, MeSH D030342.

Allele frequency attached by ClinVar (database versions not stated): gnomAD 0.00003; TOPMed 0.00003; gnomAD exomes 0.00005; ExAC 0.00013; 1000 Genomes Project 0.00020; 1000 Genomes Project 30x 0.00031.

Submissions (4):

Ambry Genetics
Classification: Likely benign for Inborn genetic diseases. Last evaluated: 2025-12-09. Review status: criteria provided, single submitter. Criteria: Ambry Variant Classification Scheme 2023. Collection method: clinical testing. Allele origin: germline.

Labcorp Genetics (formerly Invitae), Labcorp
Classification: Uncertain significance. Last evaluated: 2025-05-13. Review status: criteria provided, single submitter. Criteria: Invitae Variant Classification Sherloc (09022015). Collection method: clinical testing. Allele origin: germline.
Comment: This sequence change replaces serine, which is neutral and polar, with leucine, which is neutral and non-polar, at codon 580 of the RERE protein (p.Ser580Leu). This variant is present in population databases (rs529517891, gnomAD 0.07%), and has an allele count higher than expected for a pathogenic variant. This variant has not been reported in the literature in individuals affected with RERE-related conditions. ClinVar contains an entry for this variant (Variation ID: 2570714). An algorithm developed to predict the effect of missense changes on protein structure and function (PolyPhen-2) suggests that this variant is likely to be disruptive. In summary, the available evidence is currently insufficient to determine the role of this variant in disease. Therefore, it has been classified as a Variant of Uncertain Significance.

CeGaT Center for Human Genetics Tuebingen
Classification: Likely benign. Last evaluated: 2023-05-01. Review status: criteria provided, single submitter. Criteria: CeGaT Center For Human Genetics Tuebingen Variant Classification Criteria Version 2. Collection method: clinical testing. Allele origin: germline. Affected: yes. Observed: 1 variant allele.
Comment: RERE: BS2

PreventionGenetics, part of Exact Sciences
Classification: Likely benign for RERE-related condition. Last evaluated: 2023-01-25. Review status: no assertion criteria provided. Collection method: clinical testing. Allele origin: germline. Not counted in ClinVar's aggregate classification.
Comment: This variant is classified as likely benign based on ACMG/AMP sequence variant interpretation guidelines (Richards et al. 2015 PMID: 25741868, with internal and published modifications).